The following is an entry in ClinVar:

NM_024675.4(PALB2):c.2835-15T>C

Gene: PALB2 (partner and localizer of BRCA2; minus strand). Cytogenetic location: 16p12.2.
Variant type: single nucleotide variant.
Coding change: c.2835-15T>C on transcript NM_024675.4 (MANE Select); 15 bases into the intron before coding-DNA position 2835, T replaced by C.
Molecular consequence: intron variant.
Genome position (GRCh38, 1-based): chr16:23,623,145, A>G on the plus strand (T>C on the coding strand, the complement: PALB2 is on the minus strand). VCF-style: chr16-23623145-A-G. GRCh37 (hg19) VCF-style: chr16-23634466-A-G.
Other names: c.1950-15T>C (NM_001407308.1, NM_001407306.1, NM_001407309.1 and 4 more transcripts); c.369-15T>C (NM_001407314.1); c.1047-15T>C (NM_001407313.1, NM_001407312.1); c.2775-15T>C (NM_001407296.1); c.2763-15T>C (NM_001407297.1); c.2673-15T>C (NM_001407302.1, NM_001407298.1); c.2834+864T>C (NM_001407300.1); c.2835-15T>C (NM_001407299.1, NM_001407301.1); and 1 more.
Identifiers: ClinVar variation 3903555 (VCV003903555.1).

ClinVar aggregate classification (germline): Likely benign (1 of 4 stars; one submission).

Conditions:
Familial cancer of breast. Also called: Hereditary breast cancer; hereditary breast carcinoma; BREAST CANCER, FAMILIAL. Identifiers: Orphanet 227535, MedGen C0346153, MONDO:0016419, OMIM 114480. Disease mechanism: loss of function.

Submission:

Myriad Genetics, Inc.
Classification: Likely benign for Familial cancer of breast. Last evaluated: 2025-01-17. Review status: criteria provided, single submitter. Criteria: Myriad Autosomal Dominant, Autosomal Recessive and X-Linked Classification Criteria (2023). Collection method: clinical testing. Allele origin: unknown.
Comment: This variant is considered likely benign. This variant is intronic and is not expected to impact mRNA splicing.